The following is an entry in ClinVar:

ClinVar aggregate classification (germline): Likely pathogenic (1 of 4 stars; one submission).

Allele frequency attached by ClinVar (database versions not stated): gnomAD exomes below 0.00001.
gnomAD v4.1: 6 of 1,611,512 alleles (0.00037%); highest among the groups gnomAD compares: Non-Finnish European, 0.00051%; no homozygotes.

Submission:

Labcorp Genetics (formerly Invitae), Labcorp
Classification: Likely pathogenic. Last evaluated: 2022-08-19. Review status: criteria provided, single submitter. Criteria: Invitae Variant Classification Sherloc (09022015). Collection method: clinical testing. Allele origin: germline.
Comment: This sequence change affects a donor splice site in intron 12 of the MME gene. It is expected to disrupt RNA splicing. Variants that disrupt the donor or acceptor splice site typically lead to a loss of protein function (PMID: 16199547), and loss-of-function variants in MME are known to be pathogenic (PMID: 26991897). This variant is not present in population databases (gnomAD no frequency). This variant has not been reported in the literature in individuals affected with MME-related conditions. Algorithms developed to predict the effect of sequence changes on RNA splicing suggest that this variant may disrupt the consensus splice site. In summary, the currently available evidence indicates that the variant is pathogenic, but additional data are needed to prove that conclusively. Therefore, this variant has been classified as Likely Pathogenic.

Literature cited by the submitters: PubMed 16199547; PubMed 26991897.

NM_007289.4(MME):c.1188+1G>A

Gene: MME (membrane metalloendopeptidase; plus strand). Cytogenetic location: 3q25.2.
Variant type: single nucleotide variant.
Coding change: c.1188+1G>A on transcript NM_007289.4 (MANE Select); the canonical splice donor site of the intron after coding-DNA position 1188, G replaced by A.
Molecular consequence: splice donor variant.
Genome position (GRCh38, 1-based): chr3:155,142,331, G>A. VCF-style: chr3-155142331-G-A. GRCh37 (hg19) VCF-style: chr3-154860120-G-A.
Other names: c.1188+1G>A (NM_001354642.2, NM_000902.5, NM_007287.4 and 2 more transcripts).
Identifiers: ClinVar variation 1944867 (VCV001944867.5), dbSNP rs2473075038, ClinGen allele CA355130242.